The following is an entry in ClinVar:

ClinVar aggregate classification (germline): Uncertain significance (1 of 4 stars; one submission).

Conditions:
Costello syndrome (CSTLO). Also called: FCS SYNDROME; FACIOCUTANEOSKELETAL SYNDROME; HRAS-Related Costello Syndrome. Identifiers: Orphanet 3071, MedGen C0587248, MONDO:0009026, OMIM 218040.

Submission:

Labcorp Genetics (formerly Invitae), Labcorp
Classification: Uncertain significance for Costello syndrome. Last evaluated: 2023-03-02. Review status: criteria provided, single submitter. Criteria: Invitae Variant Classification Sherloc (09022015). Collection method: clinical testing. Allele origin: germline.
Comment: This sequence change replaces glutamine, which is neutral and polar, with arginine, which is basic and polar, at codon 25 of the HRAS protein (p.Gln25Arg). This variant is not present in population databases (gnomAD no frequency). This variant has not been reported in the literature in individuals affected with HRAS-related conditions. An algorithm developed to predict the effect of missense changes on protein structure and function (PolyPhen-2) suggests that this variant is likely to be tolerated. In summary, the available evidence is currently insufficient to determine the role of this variant in disease. Therefore, it has been classified as a Variant of Uncertain Significance.

NM_005343.4(HRAS):c.74A>G (p.Gln25Arg)

Genes: LRRC56 (leucine rich repeat containing 56; plus strand), HRAS (HRas proto-oncogene, GTPase; minus strand). Cytogenetic location: 11p15.5.
Variant type: single nucleotide variant.
Coding change: c.74A>G on transcript NM_005343.4 (MANE Select); coding-DNA position 74, A replaced by G.
Protein change: p.Gln25Arg; replaces glutamine 25 with arginine.
Molecular consequence: missense variant. On other transcripts: 5 prime UTR variant (1).
Genome position (GRCh38, 1-based): chr11:534,249, T>C on the plus strand (A>G on the coding strand, the complement: HRAS is on the minus strand). VCF-style: chr11-534249-T-C. GRCh37 (hg19) VCF-style: chr11-534249-T-C.
Other names: c.74A>G, p.Gln25Arg (NM_001130442.3, NM_176795.5); c.-246A>G (NM_001318054.2); short protein forms Q25R.
Identifiers: ClinVar variation 2966734 (VCV002966734.3), dbSNP rs2539802400, ClinGen allele CA378925198.